The following is an entry in ClinVar:

ClinVar aggregate classification (germline): Uncertain significance (1 of 4 stars; one submission).

Conditions:
Rhabdoid tumor predisposition syndrome 2 (RTPS2). Identifiers: Orphanet 231108, Orphanet 69077, MedGen C2750074, MONDO:0013224, OMIM 613325.

Submission:

Labcorp Genetics (formerly Invitae), Labcorp
Classification: Uncertain significance for Rhabdoid tumor predisposition syndrome 2. Last evaluated: 2018-01-29. Review status: criteria provided, single submitter. Criteria: Invitae Variant Classification Sherloc (09022015). Collection method: clinical testing. Allele origin: germline.
Comment: This variant is not present in population databases (ExAC no frequency). This sequence change replaces lysine with glutamic acid at codon 1227 of the SMARCA4 protein (p.Lys1227Glu). The lysine residue is highly conserved and there is a small physicochemical difference between lysine and glutamic acid. This variant has not been reported in the literature in individuals with SMARCA4-related disease. In summary, the available evidence is currently insufficient to determine the role of this variant in disease. Therefore, it has been classified as a Variant of Uncertain Significance. Algorithms developed to predict the effect of missense changes on protein structure and function do not agree on the potential impact of this missense change (SIFT: "Deleterious"; PolyPhen-2: "Probably Damaging"; Align-GVGD: "Class C0").

NM_003072.5(SMARCA4):c.3679A>G (p.Lys1227Glu)

Gene: SMARCA4 (SWI/SNF related BAF chromatin remodeling complex subunit ATPase 4; plus strand). Cytogenetic location: 19p13.2.
Variant type: single nucleotide variant.
Coding change: c.3679A>G on transcript NM_003072.5 (MANE Select); coding-DNA position 3679, A replaced by G.
Protein change: p.Lys1227Glu; replaces lysine 1227 with glutamic acid.
Molecular consequence: missense variant. On other transcripts: non-coding transcript variant (1).
Genome position (GRCh38, 1-based): chr19:11,033,422, A>G. VCF-style: chr19-11033422-A-G. GRCh37 (hg19) VCF-style: chr19-11144098-A-G.
Other names: c.3679A>G, p.Lys1227Glu (NM_001128844.3, NM_001128845.2, NM_001128846.2 and 5 more transcripts); short protein forms K1227E.
Identifiers: ClinVar variation 571949 (VCV000571949.8), dbSNP rs1568509876, ClinGen allele CA404065771.